The following is an entry in ClinVar:

ClinVar aggregate classification (germline): Uncertain significance (1 of 4 stars; one submission).

Allele frequency attached by ClinVar (database versions not stated): gnomAD 0.00001; gnomAD exomes 0.00001; TOPMed 0.00001; ExAC 0.00002.
gnomAD v4.1: 9 of 1,601,050 alleles (0.00056%); highest among the groups gnomAD compares: African/African-American, 0.0014%; no homozygotes.

Submission:

Labcorp Genetics (formerly Invitae), Labcorp
Classification: Uncertain significance. Last evaluated: 2022-09-29. Review status: criteria provided, single submitter. Criteria: Invitae Variant Classification Sherloc (09022015). Collection method: clinical testing. Allele origin: germline.
Comment: In summary, the available evidence is currently insufficient to determine the role of this variant in disease. Therefore, it has been classified as a Variant of Uncertain Significance. Algorithms developed to predict the effect of sequence changes on RNA splicing suggest that this variant is not likely to affect RNA splicing. This variant has not been reported in the literature in individuals affected with GNPNAT1-related conditions. This variant is present in population databases (rs778581062, gnomAD 0.002%). This sequence change affects codon 136 of the GNPNAT1 mRNA. It is a 'silent' change, meaning that it does not change the encoded amino acid sequence of the GNPNAT1 protein. It affects a nucleotide within the consensus splice site.

NM_198066.4(GNPNAT1):c.408G>A (p.Leu136=)

Gene: GNPNAT1 (glucosamine-phosphate N-acetyltransferase 1; minus strand). Cytogenetic location: 14q22.1.
Variant type: single nucleotide variant.
Coding change: c.408G>A on transcript NM_198066.4 (MANE Select); coding-DNA position 408, G replaced by A.
Protein change: p.Leu136=; no amino-acid change (leucine 136 retained).
Molecular consequence: synonymous variant.
Genome position (GRCh38, 1-based): chr14:52,778,458, C>T on the plus strand (G>A on the coding strand, the complement: GNPNAT1 is on the minus strand). VCF-style: chr14-52778458-C-T. GRCh37 (hg19) VCF-style: chr14-53245176-C-T.
Identifiers: ClinVar variation 1964363 (VCV001964363.5), dbSNP rs778581062, ClinGen allele CA7190207.